The following is an entry in ClinVar:

NM_024996.7(GFM1):c.433C>T (p.Leu145Phe)

Gene: GFM1 (G elongation factor mitochondrial 1; plus strand). Cytogenetic location: 3q25.32.
Variant type: single nucleotide variant.
Coding change: c.433C>T on transcript NM_024996.7 (MANE Select); coding-DNA position 433, C replaced by T.
Protein change: p.Leu145Phe; replaces leucine 145 with phenylalanine.
Molecular consequence: missense variant. On other transcripts: non-coding transcript variant (3), intron variant (4).
Genome position (GRCh38, 1-based): chr3:158,646,808, C>T. VCF-style: chr3-158646808-C-T. GRCh37 (hg19) VCF-style: chr3-158364597-C-T.
Other names: c.433C>T, p.Leu145Phe (NM_001308164.2, NM_001308166.2, NM_001374355.1 and 1 more transcripts); c.208C>T, p.Leu70Phe (NM_001374357.1); c.5+1027C>T (NM_001374359.1, NM_001374360.1, NM_001374361.1); c.234+1027C>T (NM_001374358.1); short protein forms L145F, L70F.
Identifiers: ClinVar variation 4534298 (VCV004534298.6).
Genomic context (GRCh38, chr3:158,646,808, plus strand): 5'-GTGGACTTCACAATAGAAGTGGAAAGGGCCCTGAGAGTGTTGGATGGTGCAGTCCTTGTT[C>T]TCTGTGCTGTTGGAGGGGTACAGTGCCAGACCATGACTGTCAATCGTCAGATGAAGCGCT-3'
Protein context (NP_079272.4, residues 135-155): LRVLDGAVLV[Leu145Phe]CAVGGVQCQT

ClinVar aggregate classification (germline): Uncertain significance (1 of 4 stars; one submission).

Submission:

CeGaT Center for Human Genetics Tuebingen
Classification: Uncertain significance. Last evaluated: 2025-10-01. Review status: criteria provided, single submitter. Criteria: CeGaT Center For Human Genetics Tuebingen Variant Classification Criteria Version 2. Collection method: clinical testing. Allele origin: germline. Affected: yes. Observed: 2 variant alleles.
Comment: GFM1: PM2, PM3